The following is an entry in ClinVar:

ClinVar aggregate classification (germline): Conflicting classifications of pathogenicity. Review status: criteria provided, conflicting classifications (1 of 4 stars). 3 submissions from 1 submitter: Uncertain significance (2); Likely benign (1). Last evaluated 2018-01-12.

Conditions:
Osteogenesis imperfecta (OI). Identifiers: Orphanet 666, MedGen C0029434, MeSH D010013, MONDO:0019019.
Infantile cortical hyperostosis. Also called: P1PK BLOOD GROUP SYSTEM, P(2) PHENOTYPE; Hyperostosis, Cortical, Congenital; Caffey Disease. Identifiers: Orphanet 1310, MedGen C0020497, MONDO:0007244, OMIM 114000.
Ehlers-Danlos syndrome, arthrochalasia type. Also called: ARTHROCHALASIS MULTIPLEX CONGENITA; EDS VII, MUTANT PROCOLLAGEN TYPE; EDS VIIA; Ehlers-Danlos syndrome, arthrochalasia type, 1; Ehlers-Danlos syndrome, arthrochalasis type. Identifiers: Orphanet 1899, Orphanet 99875, Orphanet 99876, MedGen C4551623, MONDO:0007525, OMIM 130060.

Allele frequency attached by ClinVar (database versions not stated): ExAC 0.00003; gnomAD exomes 0.00005; gnomAD 0.00006 and 0.00008; TOPMed 0.00011; ESP Exome Variant Server 0.00015; 1000 Genomes Project 0.00040; 1000 Genomes Project 30x 0.00062.
gnomAD v4.1: 89 of 1,613,198 alleles (0.0055%); highest among the groups gnomAD compares: Admixed American, 0.017%; no homozygotes.

Submissions (3):

Illumina Laboratory Services, Illumina
Classification: Uncertain significance for Infantile cortical hyperostosis. Last evaluated: 2018-01-12. Review status: criteria provided, single submitter. Criteria: ICSL Variant Classification Criteria 13 December 2019. Collection method: clinical testing. Allele origin: germline.

Illumina Laboratory Services, Illumina
Classification: Likely benign for Ehlers-Danlos syndrome, arthrochalasia type. Last evaluated: 2018-01-12. Review status: criteria provided, single submitter. Criteria: ICSL Variant Classification Criteria 13 December 2019. Collection method: clinical testing. Allele origin: germline.
Comment: This variant was observed in the ICSL laboratory as part of a predisposition screen in an ostensibly healthy population. It had not been previously curated by ICSL or reported in the Human Gene Mutation Database (HGMD: prior to June 1st, 2018), and was therefore a candidate for classification through an automated scoring system. Utilizing variant allele frequency, disease prevalence and penetrance estimates, and inheritance mode, an automated score was calculated to assess if this variant is too frequent to cause the disease. Based on the score and internal cut-off values, a variant classified as likely benign is not then subjected to further curation. The score for this variant resulted in a classification of likely benign for this disease.

Illumina Laboratory Services, Illumina
Classification: Uncertain significance for Osteogenesis imperfecta. Last evaluated: 2018-01-12. Review status: criteria provided, single submitter. Criteria: ICSL Variant Classification Criteria 13 December 2019. Collection method: clinical testing. Allele origin: germline.

NM_000088.4(COL1A1):c.*21G>C

Gene: COL1A1 (collagen type I alpha 1 chain; minus strand). Cytogenetic location: 17q21.33.
Variant type: single nucleotide variant.
Coding change: c.*21G>C on transcript NM_000088.4 (MANE Select); 21 bases downstream of the stop codon, G replaced by C.
Molecular consequence: 3 prime UTR variant.
Genome position (GRCh38, 1-based): chr17:50,185,481, C>G on the plus strand (G>C on the coding strand, the complement: COL1A1 is on the minus strand). VCF-style: chr17-50185481-C-G. GRCh37 (hg19) VCF-style: chr17-48262842-C-G.
Identifiers: ClinVar variation 324094 (VCV000324094.5), dbSNP rs201085309, ClinGen allele CA8644160.